The following is an entry in ClinVar:

ClinVar aggregate classification (germline): Uncertain significance. Review status: criteria provided, multiple submitters, no conflicts (2 of 4 stars). 3 submissions from 3 submitters: Uncertain significance (3). Last evaluated 2024-10-09.

Allele frequency attached by ClinVar (database versions not stated): ExAC 0.00002; gnomAD exomes 0.00003 and 0.00005; gnomAD 0.00005 and 0.00006; TOPMed 0.00005; ESP Exome Variant Server 0.00008.
gnomAD v4.1: 77 of 1,613,652 alleles (0.0048%); highest among the groups gnomAD compares: Non-Finnish European, 0.0062%; no homozygotes.

Submissions (3):

Blueprint Genetics
Classification: Uncertain significance. Last evaluated: 2024-10-09. Review status: criteria provided, single submitter. Criteria: ACMG Guidelines, 2015. Collection method: clinical testing. Allele origin: germline.

Labcorp Genetics (formerly Invitae), Labcorp
Classification: Uncertain significance. Last evaluated: 2021-08-13. Review status: criteria provided, single submitter. Criteria: Invitae Variant Classification Sherloc (09022015). Collection method: clinical testing. Allele origin: germline.
Comment: This sequence change replaces glycine with aspartic acid at codon 344 of the WDR62 protein (p.Gly344Asp). The glycine residue is moderately conserved and there is a moderate physicochemical difference between glycine and aspartic acid. This variant is present in population databases (rs141927841, ExAC 0.005%). This missense change has been observed in individual(s) with developmental disorders (PMID: 30091983). ClinVar contains an entry for this variant (Variation ID: 916171). Algorithms developed to predict the effect of missense changes on protein structure and function (SIFT, PolyPhen-2, Align-GVGD) all suggest that this variant is likely to be tolerated. In summary, the available evidence is currently insufficient to determine the role of this variant in disease. Therefore, it has been classified as a Variant of Uncertain Significance.

CeGaT Center for Human Genetics Tuebingen
Classification: Uncertain significance. Last evaluated: 2020-03-01. Review status: criteria provided, single submitter. Criteria: CeGaT Center For Human Genetics Tuebingen Variant Classification Criteria Version 2. Collection method: clinical testing. Allele origin: germline. Affected: yes. Observed: 1 variant allele.

Literature cited by the submitters: PubMed 30091983 (cited by Labcorp Genetics (formerly Invitae), Labcorp).

NM_001083961.2(WDR62):c.1031G>A (p.Gly344Asp)

Gene: WDR62 (WD repeat domain 62; plus strand). Cytogenetic location: 19q13.12.
Variant type: single nucleotide variant.
Coding change: c.1031G>A on transcript NM_001083961.2 (MANE Select); coding-DNA position 1031, G replaced by A.
Protein change: p.Gly344Asp; replaces glycine 344 with aspartic acid.
Molecular consequence: missense variant.
Genome position (GRCh38, 1-based): chr19:36,071,704, G>A. VCF-style: chr19-36071704-G-A. GRCh37 (hg19) VCF-style: chr19-36562606-G-A.
Other names: c.1031G>A, p.Gly344Asp (NM_173636.5); short protein forms G344D.
Identifiers: ClinVar variation 916171 (VCV000916171.42), dbSNP rs141927841, ClinGen allele CA9395449.